The following is an entry in ClinVar:

ClinVar aggregate classification (germline): Likely benign (1 of 4 stars; one submission).

Allele frequency attached by ClinVar (database versions not stated): 1000 Genomes Project 0.01018; gnomAD 0.01035 and 0.01118; TOPMed 0.01101; 1000 Genomes Project 30x 0.01249.
gnomAD v4.1: 1,542 of 150,030 alleles (1%); highest among the groups gnomAD compares: African/African-American, 3.6%; 26 homozygotes.

Submission:

GeneDx
Classification: Likely benign. Last evaluated: 2018-06-16. Review status: criteria provided, single submitter. Criteria: GeneDx Variant Classification (06012015). Collection method: clinical testing. Allele origin: germline. Affected: yes.
Comment: This variant is considered likely benign or benign based on one or more of the following criteria: it is a conservative change, it occurs at a poorly conserved position in the protein, it is predicted to be benign by multiple in silico algorithms, and/or has population frequency not consistent with disease.

NM_014795.4(ZEB2):c.73+217C>G

Gene: ZEB2 (zinc finger E-box binding homeobox 2; minus strand). Cytogenetic location: 2q22.3.
Variant type: single nucleotide variant.
Coding change: c.73+217C>G on transcript NM_014795.4 (MANE Select); 217 bases into the intron after coding-DNA position 73, C replaced by G.
Molecular consequence: intron variant.
Genome position (GRCh38, 1-based): chr2:144,517,061, G>C on the plus strand (C>G on the coding strand, the complement: ZEB2 is on the minus strand). VCF-style: chr2-144517061-G-C. GRCh37 (hg19) VCF-style: chr2-145274628-G-C.
Other names: c.73+217C>G (NM_001171653.2).
Identifiers: ClinVar variation 677650 (VCV000677650.1), dbSNP rs568856513, ClinGen allele CA57809895.